The following is an entry in ClinVar:

NM_001018115.3(FANCD2):c.2651C>T (p.Thr884Ile)

Genes: FANCD2 (FA complementation group D2; plus strand), LOC107303338 (3p25 FANCD2 Alu-mediated recombination region; plus strand). Cytogenetic location: 3p25.3.
Variant type: single nucleotide variant.
Coding change: c.2651C>T on transcript NM_001018115.3 (MANE Select); coding-DNA position 2651, C replaced by T.
Protein change: p.Thr884Ile; replaces threonine 884 with isoleucine.
Molecular consequence: missense variant.
Genome position (GRCh38, 1-based): chr3:10,073,298, C>T. VCF-style: chr3-10073298-C-T. GRCh37 (hg19) VCF-style: chr3-10114982-C-T.
Other names: c.2651C>T, p.Thr884Ile (NM_001319984.2, NM_001374254.1, NM_033084.6); c.2540C>T, p.Thr847Ile (NM_001374253.1); short protein forms T884I, T847I.
Identifiers: ClinVar variation 4737479 (VCV004737479.1).

ClinVar aggregate classification (germline): Uncertain significance (1 of 4 stars; one submission).

Conditions:
Fanconi anemia (FA). Also called: Fanconi's anemia. Identifiers: Orphanet 84, MedGen C0015625, MeSH D005199, MONDO:0019391.

gnomAD v4.1: 2 of 1,614,048 alleles (0.00012%); highest among the groups gnomAD compares: Non-Finnish European, 0.000085%; no homozygotes.

Submission:

Labcorp Genetics (formerly Invitae), Labcorp
Classification: Uncertain significance for Fanconi anemia. Last evaluated: 2025-11-25. Review status: criteria provided, single submitter. Criteria: Invitae Variant Classification Sherloc (09022015). Collection method: clinical testing. Allele origin: germline.
Comment: This sequence change replaces threonine, which is neutral and polar, with isoleucine, which is neutral and non-polar, at codon 884 of the FANCD2 protein (p.Thr884Ile). This variant is not present in population databases (gnomAD no frequency). This variant has not been reported in the literature in individuals affected with FANCD2-related conditions. Invitae Evidence Modeling of protein sequence and biophysical properties (such as structural, functional, and spatial information, amino acid conservation, physicochemical variation, residue mobility, and thermodynamic stability) indicates that this missense variant is not expected to disrupt FANCD2 protein function with a negative predictive value of 80%. In summary, the available evidence is currently insufficient to determine the role of this variant in disease. Therefore, it has been classified as a Variant of Uncertain Significance.